The following is an entry in ClinVar:

NM_002528.7(NTHL1):c.510C>T (p.Pro170=)

Gene: NTHL1 (nth like DNA glycosylase 1; minus strand). Cytogenetic location: 16p13.3.
Variant type: single nucleotide variant.
Coding change: c.510C>T on transcript NM_002528.7 (MANE Select); coding-DNA position 510, C replaced by T.
Protein change: p.Pro170=; no amino-acid change (proline 170 retained).
Molecular consequence: synonymous variant. On other transcripts: intron variant (1).
Genome position (GRCh38, 1-based): chr16:2,044,645, G>A on the plus strand (C>T on the coding strand, the complement: NTHL1 is on the minus strand). VCF-style: chr16-2044645-G-A. GRCh37 (hg19) VCF-style: chr16-2094646-G-A.
Other names: c.180C>T, p.Pro60= (NM_001318194.2); c.355-919C>T (NM_001318193.2).
Identifiers: ClinVar variation 756738 (VCV000756738.18), dbSNP rs201980301, ClinGen allele CA7828237.

ClinVar aggregate classification (germline): Likely benign. Review status: criteria provided, multiple submitters, no conflicts (2 of 4 stars). 5 submissions from 5 submitters: Likely benign (5). Last evaluated 2026-05-11.

Conditions:
Hereditary cancer-predisposing syndrome. Also called: Hereditary neoplastic syndrome; Neoplastic Syndromes, Hereditary; Hereditary Cancer Syndrome; Tumor predisposition. Identifiers: Orphanet 140162, MedGen C0027672, MeSH D009386, MONDO:0015356.
NTHL1-related disorder. Also called: NTHL1-related condition; NTHL1-related conditions.

Allele frequency attached by ClinVar (database versions not stated): gnomAD 0.00001; ExAC 0.00002; gnomAD exomes 0.00002 and 0.00003; TOPMed 0.00005; 1000 Genomes Project 30x 0.00016; 1000 Genomes Project 0.00020.
gnomAD v4.1: 23 of 1,606,438 alleles (0.0014%); highest among the groups gnomAD compares: Admixed American, 0.02%; no homozygotes.

Submissions (5):

PreventionGenetics, part of Exact Sciences
Classification: Likely benign for NTHL1-related condition. Last evaluated: 2026-05-11. Review status: criteria provided, single submitter. Criteria: ACMG Guidelines, 2015. Collection method: clinical testing. Allele origin: germline.
Comment: This variant is classified as likely benign based on ACMG/AMP sequence variant interpretation guidelines (Richards et al. 2015 PMID: 25741868, with internal and published modifications).

Labcorp Genetics (formerly Invitae), Labcorp
Classification: Likely benign. Last evaluated: 2025-11-19. Review status: criteria provided, single submitter. Criteria: Invitae Variant Classification Sherloc (09022015). Collection method: clinical testing. Allele origin: germline.

Quest Diagnostics Nichols Institute San Juan Capistrano
Classification: Likely benign. Last evaluated: 2025-02-13. Review status: criteria provided, single submitter. Criteria: Quest Diagnostics criteria. Collection method: clinical testing. Allele origin: unknown.

Ambry Genetics
Classification: Likely benign for Hereditary cancer-predisposing syndrome. Last evaluated: 2020-03-20. Review status: criteria provided, single submitter. Criteria: Ambry Variant Classification Scheme 2023. Collection method: clinical testing. Allele origin: germline.

GeneDx
Classification: Likely benign. Last evaluated: 2020-02-16. Review status: criteria provided, single submitter. Criteria: GeneDx Variant Classification Process June 2021. Collection method: clinical testing. Allele origin: germline. Affected: yes.